The following is an entry in ClinVar:

NM_015311.3(OBSL1):c.1663C>T (p.Arg555Trp)

Gene: OBSL1 (obscurin like cytoskeletal adaptor 1; minus strand). Cytogenetic location: 2q35.
Variant type: single nucleotide variant.
Coding change: c.1663C>T on transcript NM_015311.3 (MANE Select); coding-DNA position 1663, C replaced by T.
Protein change: p.Arg555Trp; replaces arginine 555 with tryptophan.
Molecular consequence: missense variant.
Genome position (GRCh38, 1-based): chr2:219,567,447, G>A on the plus strand (C>T on the coding strand, the complement: OBSL1 is on the minus strand). VCF-style: chr2-219567447-G-A. GRCh37 (hg19) VCF-style: chr2-220432169-G-A.
Other names: c.1663C>T, p.Arg555Trp (NM_001173408.2, NM_001173431.2); short protein forms R555W.
Identifiers: ClinVar variation 898942 (VCV000898942.26), dbSNP rs199991707, ClinGen allele CA2131466.

ClinVar aggregate classification (germline): Conflicting classifications of pathogenicity. Review status: criteria provided, conflicting classifications (1 of 4 stars). 6 submissions from 6 submitters: Uncertain significance (2); Benign (1); Likely benign (2). 1 of the submissions does not count toward it. Last evaluated 2026-08-06.

Conditions:
Monogenic short statue.
OBSL1-related disorder. Also called: OBSL1-related condition.
3M syndrome 2. Also called: 3-M Syndrome, OBSL1-Related; THREE M SYNDROME 2. Identifiers: Orphanet 2616, MedGen C2752041, MONDO:0013039, OMIM 612921.

Allele frequency attached by ClinVar (database versions not stated): TOPMed 0.00025; ESP Exome Variant Server 0.00040; 1000 Genomes Project 30x 0.00078; 1000 Genomes Project 0.00080; gnomAD exomes 0.00093 and 0.00180; gnomAD 0.00147 and 0.00155; ExAC 0.00181.
gnomAD v4.1: 1,578 of 1,613,250 alleles (0.098%); highest among the groups gnomAD compares: Non-Finnish European, 0.044%; 11 homozygotes.

Submissions (6):

NHS Central & South Genomic Laboratory Hub
Classification: Uncertain significance for Monogenic short statue. Last evaluated: 2026-08-06. Review status: criteria provided, single submitter. Criteria: ACMG Guidelines, 2015. Collection method: clinical testing. Allele origin: germline. Affected: yes.

Labcorp Genetics (formerly Invitae), Labcorp
Classification: Benign. Last evaluated: 2026-01-28. Review status: criteria provided, single submitter. Criteria: Invitae Variant Classification Sherloc (09022015). Collection method: clinical testing. Allele origin: germline.

CeGaT Center for Human Genetics Tuebingen
Classification: Likely benign. Last evaluated: 2025-05-01. Review status: criteria provided, single submitter. Criteria: CeGaT Center For Human Genetics Tuebingen Variant Classification Criteria Version 2. Collection method: clinical testing. Allele origin: germline. Affected: yes. Observed: 1 variant allele.
Comment: OBSL1: BS2

Blueprint Genetics
Classification: Likely benign. Last evaluated: 2024-10-09. Review status: criteria provided, single submitter. Criteria: ACMG Guidelines, 2015. Collection method: clinical testing. Allele origin: germline.

Illumina Laboratory Services, Illumina
Classification: Uncertain significance for 3M syndrome 2. Last evaluated: 2018-01-12. Review status: criteria provided, single submitter. Criteria: ICSL Variant Classification Criteria 13 December 2019. Collection method: clinical testing. Allele origin: germline.

PreventionGenetics, part of Exact Sciences
Classification: Benign for OBSL1-related condition. Last evaluated: 2019-12-10. Review status: no assertion criteria provided. Collection method: clinical testing. Allele origin: germline. Not counted in ClinVar's aggregate classification.
Comment: This variant is classified as benign based on ACMG/AMP sequence variant interpretation guidelines (Richards et al. 2015 PMID: 25741868, with internal and published modifications).